The following is an entry in ClinVar:

ClinVar aggregate classification (germline): Pathogenic (1 of 4 stars; one submission).

Conditions:
Hereditary spastic paraplegia 49 (HSAN9). Also called: TECPR2-Related Hereditary Sensory and Autonomic Neuropathy with Intellectual Disability; NEUROPATHY, HEREDITARY SENSORY AND AUTONOMIC, TYPE IX, WITH DEVELOPMENTAL DELAY; Spastic paraplegia 49, autosomal recessive. Identifiers: Orphanet 320385, MedGen C5190860, MONDO:0014016, OMIM 615031.

Submission:

Labcorp Genetics (formerly Invitae), Labcorp
Classification: Pathogenic for Hereditary spastic paraplegia 49. Last evaluated: 2022-02-02. Review status: criteria provided, single submitter. Criteria: Invitae Variant Classification Sherloc (09022015). Collection method: clinical testing. Allele origin: germline.
Comment: For these reasons, this variant has been classified as Pathogenic. This variant has not been reported in the literature in individuals affected with TECPR2-related conditions. This variant is not present in population databases (gnomAD no frequency). This sequence change creates a premature translational stop signal (p.Arg443Ilefs*10) in the TECPR2 gene. It is expected to result in an absent or disrupted protein product. Loss-of-function variants in TECPR2 are known to be pathogenic (PMID: 23176824, 25590979).

Literature cited by the submitters: PubMed 23176824; PubMed 25590979.

NM_014844.5(TECPR2):c.1328_1329del (p.Arg443fs)

Gene: TECPR2 (tectonin beta-propeller repeat containing 2; plus strand). Cytogenetic location: 14q32.31.
Variant type: Microsatellite.
Coding change: c.1328_1329del on transcript NM_014844.5 (MANE Select); coding-DNA positions 1328 to 1329, 2 bases deleted (GA; older notation c.1328_1329delGA).
Protein change: p.Arg443fs; shifts the reading frame from arginine 443.
Molecular consequence: frameshift variant.
Genome position (GRCh38, 1-based): chr14:102,432,039-102,432,040, GA deleted; deleting any 2 consecutive bases within chr14:102,432,036-102,432,040 gives the same sequence; the c. name uses the placement nearest the transcript's 3' end. VCF-style (leftmost placement, unchanged base first): chr14-102432035-CAG-C. GRCh37 (hg19) VCF-style: chr14-102898372-CAG-C.
Other names: c.1328_1329del, p.Arg443fs (NM_001172631.3); short protein forms R443fs.
Identifiers: ClinVar variation 2092022 (VCV002092022.4), dbSNP rs2504418023, ClinGen allele CA2580613772.